The following is an entry in ClinVar:

ClinVar aggregate classification (germline): Uncertain significance. Review status: criteria provided, multiple submitters, no conflicts (2 of 4 stars). 2 submissions from 2 submitters: Uncertain significance (2). Last evaluated 2025-01-07.

Conditions:
ABCB1-related disorder. Also called: ABCB1-related condition.

Allele frequency attached by ClinVar (database versions not stated): gnomAD exomes 0.00001; ExAC 0.00003; gnomAD 0.00005; TOPMed 0.00009; 1000 Genomes Project 0.00040; 1000 Genomes Project 30x 0.00047.
gnomAD v4.1: 21 of 1,613,898 alleles (0.0013%); highest among the groups gnomAD compares: Admixed American, 0.022%; no homozygotes.

Submissions (2):

PreventionGenetics, part of Exact Sciences
Classification: Uncertain significance for ABCB1-related condition. Last evaluated: 2025-01-07. Review status: criteria provided, single submitter. Criteria: ACMG Guidelines, 2015. Collection method: clinical testing. Allele origin: germline.
Comment: The ABCB1 c.56T>A variant is predicted to result in the amino acid substitution p.Leu19Gln. To our knowledge, this variant has not been reported in the literature. This variant is reported in 0.012% of alleles in individuals of Latino descent in gnomAD. At this time, the clinical significance of this variant is uncertain due to the absence of conclusive functional and genetic evidence.

Ambry Genetics
Classification: Uncertain significance. Last evaluated: 2021-10-06. Review status: criteria provided, single submitter. Criteria: Ambry Variant Classification Scheme 2023. Collection method: clinical testing. Allele origin: germline.

NM_001348946.2(ABCB1):c.56T>A (p.Leu19Gln)

Genes: ABCB1 (ATP binding cassette subfamily B member 1; minus strand), LOC126860097 (BRD4-independent group 4 enhancer GRCh37_chr7:87228303-87229502; plus strand). Cytogenetic location: 7q21.12.
Variant type: single nucleotide variant.
Coding change: c.56T>A on transcript NM_001348946.2 (MANE Select); coding-DNA position 56, T replaced by A.
Protein change: p.Leu19Gln; replaces leucine 19 with glutamine.
Molecular consequence: missense variant.
Genome position (GRCh38, 1-based): chr7:87,600,129, A>T on the plus strand (T>A on the coding strand, the complement: ABCB1 is on the minus strand). VCF-style: chr7-87600129-A-T. GRCh37 (hg19) VCF-style: chr7-87229445-A-T.
Other names: c.56T>A, p.Leu19Gln (NM_000927.5, NM_001348944.2); c.266T>A, p.Leu89Gln (NM_001348945.2); short protein forms L89Q, L19Q.
Identifiers: ClinVar variation 2355633 (VCV002355633.3), dbSNP rs200915526, ClinGen allele CA4328713.